The following is an entry in ClinVar:

ClinVar aggregate classification (germline): Pathogenic/Likely pathogenic. Review status: criteria provided, multiple submitters, no conflicts (2 of 4 stars). 4 submissions from 4 submitters: Pathogenic (2); Likely pathogenic (2). Last evaluated 2024-05-02.

Conditions:
SGCA-related disorder. Also called: SGCA-related condition.
Autosomal recessive limb-girdle muscular dystrophy type 2D (LGMDR3). Also called: MUSCULAR DYSTROPHY, LIMB-GIRDLE, AUTOSOMAL RECESSIVE 3; ADHALINOPATHY, PRIMARY; DUCHENNE-LIKE AUTOSOMAL RECESSIVE MUSCULAR DYSTROPHY, TYPE 2. Identifiers: Orphanet 62, MedGen C2936332, MONDO:0011968, OMIM 608099. Disease mechanism: Affects gamma-sarcoglycan and also disrupts the integrity of the entire sarcoglycan complex..

Submissions (4):

Natera, Inc.
Classification: Likely pathogenic for Limb-girdle muscular dystrophy type 2D. Last evaluated: 2024-05-02. Review status: criteria provided, single submitter. Criteria: Natera Variant Classification Schema (03/2026). Collection method: clinical testing. Allele origin: germline.
Comment: The c.904delC variant in SGCA is a frameshift variant predicted to shift the reading frame beginning at codon 302 and leads to a stop codon 19 codons downstream. This variant is expected to result in nonsense mediated decay, truncation, or a dysfunctional protein product. This variant is rare in the general population with a frequency below the threshold expected for the associated phenotype(s). Given the available evidence, this variant is classified as Likely Pathogenic.

Blueprint Genetics
Classification: Likely pathogenic for SGCA-related disorders. Last evaluated: 2022-04-04. Review status: criteria provided, single submitter. Criteria: ACMG Guidelines, 2015. Collection method: clinical testing. Allele origin: germline. Affected: yes. Observed: 1 variant allele.

Labcorp Genetics (formerly Invitae), Labcorp
Classification: Pathogenic for Autosomal recessive limb-girdle muscular dystrophy type 2D. Last evaluated: 2021-02-03. Review status: criteria provided, single submitter. Criteria: Invitae Variant Classification Sherloc (09022015). Collection method: clinical testing. Allele origin: germline.
Comment: This variant has not been reported in the literature in individuals with SGCA-related conditions. This variant is not present in population databases (ExAC no frequency). This sequence change creates a premature translational stop signal (p.Leu302Cysfs*19) in the SGCA gene. It is expected to result in an absent or disrupted protein product. Loss-of-function variants in SGCA are known to be pathogenic (PMID: 9192266). For these reasons, this variant has been classified as Pathogenic.

Revvity Omics, Revvity
Classification: Pathogenic for Autosomal recessive limb-girdle muscular dystrophy type 2D. Last evaluated: 2019-11-14. Review status: criteria provided, single submitter. Criteria: ACMG Guidelines, 2015. Collection method: clinical testing. Allele origin: germline.

Literature cited by the submitters: PubMed 9192266 (cited by Labcorp Genetics (formerly Invitae), Labcorp).

NM_000023.4(SGCA):c.904del (p.Leu302fs)

Gene: SGCA (sarcoglycan alpha; plus strand). Cytogenetic location: 17q21.33.
Variant type: Deletion.
Coding change: c.904del on transcript NM_000023.4 (MANE Select); coding-DNA position 904, one base deleted (C; older notation c.904delC).
Protein change: p.Leu302fs; shifts the reading frame from leucine 302.
Molecular consequence: frameshift variant. On other transcripts: intron variant (1).
Genome position (GRCh38, 1-based): chr17:50,170,299, C deleted; the last of 3 consecutive C bases (chr17:50,170,297-50,170,299); deleting any one gives the same sequence. VCF-style (leftmost placement, unchanged base first): chr17-50170296-GC-G. GRCh37 (hg19) VCF-style: chr17-48247657-GC-G.
Other names: c.585-341del (NM_001135697.3); c.904delC (NM_000023.3); short protein forms L302fs.
Identifiers: ClinVar variation 1323585 (VCV001323585.11), dbSNP rs2144501172, ClinGen allele CA2573054477.